The following is an entry in ClinVar:

ClinVar aggregate classification (germline): Likely benign (0 of 4 stars; one submission).

Conditions:
LAMA5-related disorder. Also called: LAMA5-Related Disorders; LAMA5-related condition.

Allele frequency attached by ClinVar (database versions not stated): gnomAD exomes 0.00003; TOPMed 0.00004; gnomAD 0.00005; ExAC 0.00007; 1000 Genomes Project 0.00040; 1000 Genomes Project 30x 0.00047.

Submission:

PreventionGenetics, part of Exact Sciences
Classification: Likely benign for LAMA5-related condition. Last evaluated: 2022-12-20. Review status: no assertion criteria provided. Collection method: clinical testing. Allele origin: germline.
Comment: This variant is classified as likely benign based on ACMG/AMP sequence variant interpretation guidelines (Richards et al. 2015 PMID: 25741868, with internal and published modifications).

NM_005560.6(LAMA5):c.8400T>C (p.Arg2800=)

Gene: LAMA5 (laminin subunit alpha 5; minus strand). Cytogenetic location: 20q13.33.
Variant type: single nucleotide variant.
Coding change: c.8400T>C on transcript NM_005560.6 (MANE Select); coding-DNA position 8400, T replaced by C.
Protein change: p.Arg2800=; no amino-acid change (arginine 2800 retained).
Molecular consequence: synonymous variant.
Genome position (GRCh38, 1-based): chr20:62,314,408, A>G on the plus strand (T>C on the coding strand, the complement: LAMA5 is on the minus strand). VCF-style: chr20-62314408-A-G. GRCh37 (hg19) VCF-style: chr20-60889464-A-G.
Identifiers: ClinVar variation 3031689 (VCV003031689.2), dbSNP rs184580896, ClinGen allele CA9940721.